The following is an entry in ClinVar:

NM_000548.5(TSC2):c.2292G>A (p.Leu764=)

Gene: TSC2 (TSC complex subunit 2; plus strand). Cytogenetic location: 16p13.3.
Variant type: single nucleotide variant.
Coding change: c.2292G>A on transcript NM_000548.5 (MANE Select); coding-DNA position 2292, G replaced by A.
Protein change: p.Leu764=; no amino-acid change (leucine 764 retained).
Molecular consequence: synonymous variant. On other transcripts: non-coding transcript variant (5).
Genome position (GRCh38, 1-based): chr16:2,072,920, G>A. VCF-style: chr16-2072920-G-A. GRCh37 (hg19) VCF-style: chr16-2122921-G-A.
Other names: c.2292G>A, p.Leu764= (NM_001077183.3, NM_001114382.3, NM_001363528.2 and 6 more transcripts); c.2181G>A, p.Leu727= (NM_001318827.2, NM_001406670.1, NM_001406678.1); c.2145G>A, p.Leu715= (NM_001318829.2, NM_001406675.1, NM_001406676.1 and 1 more transcripts); c.1692G>A, p.Leu564= (NM_001318831.2, NM_001406680.1, NM_001406682.1 and 6 more transcripts); c.2325G>A, p.Leu775= (NM_001318832.2); c.2382G>A, p.Leu794= (NM_001406667.1, NM_001406668.1); c.2280G>A, p.Leu760= (NM_001406671.1, NM_001406673.1); c.2235G>A, p.Leu745= (NM_001406677.1); and 3 more.
Identifiers: ClinVar variation 4071134 (VCV004071134.2).

ClinVar aggregate classification (germline): Benign/Likely benign. Review status: criteria provided, multiple submitters, no conflicts (2 of 4 stars). 2 submissions from 2 submitters: Benign (1); Likely benign (1). Last evaluated 2025-05-19.

Conditions:
Tuberous sclerosis 2 (TSC2). Identifiers: Orphanet 805, MedGen C1860707, MONDO:0013199, OMIM 613254.

Submissions (2):

Myriad Genetics, Inc.
Classification: Benign for Tuberous sclerosis 2. Last evaluated: 2025-05-19. Review status: criteria provided, single submitter. Criteria: Myriad Autosomal Dominant, Autosomal Recessive and X-Linked Classification Criteria (2023). Collection method: clinical testing. Allele origin: unknown.
Comment: This variant is considered benign. This variant is a silent/synonymous amino acid change and it is not expected to impact splicing.

Labcorp Genetics (formerly Invitae), Labcorp
Classification: Likely benign for Tuberous sclerosis 2. Last evaluated: 2025-05-18. Review status: criteria provided, single submitter. Criteria: Invitae Variant Classification Sherloc (09022015). Collection method: clinical testing. Allele origin: germline.